The following continues an entry in ClinVar:

NM_007294.4(BRCA1):c.4484G>A (p.Arg1495Lys)

Gene: BRCA1. ClinVar aggregate classification (germline): Pathogenic. Pathogenic (9).

Submissions 6 to 17 of 17:

Women's Health and Genetics/Laboratory Corporation of America, LabCorp
Classification: Pathogenic for Hereditary breast ovarian cancer syndrome. Last evaluated: 2022-09-27. Review status: criteria provided, single submitter. Criteria: LabCorp Variant Classification Summary - May 2015. Collection method: clinical testing. Allele origin: germline.
Comment: Variant summary: BRCA1 c.4484G>A (p.Arg1495Lys) results in a conservative amino acid change in the encoded protein sequence. Three of five in-silico tools predict a benign effect of the variant on protein function. Several computational tools predict a significant impact on normal splicing: One predicts the variant abolishes a canonical 5' splicing donor site and two predict the variant weakens the 5' donor site. At least two publications have provided experimental evidence to demonstrate that this variant does indeed affect mRNA splicing, indicating that it results in the skipping of exon 13 which produces a frameshift, ultimately leading to a premature stop codon (e.g. Houdayer_2012, Wangensteen_2019). The variant was absent in 251172 control chromosomes (gnomAD). c.4484G>A has been reported in the literature in multiple individuals affected with breast/ovarian cancer, including those with a family history of breast/ovarian cancer (e.g. Lecarpentier_2012, Alsop_2012, Fernandes_2016, Turner_2019, Ren_2021, Solano_2021). These data strongly suggest that the variant is associated with disease. Eight submitters have provided clinical-significance assessments for this variant to ClinVar after 2014. All laboratories classified the variant as pathogenic (n=6) or likely pathogenic (n=2). Based on the evidence outlined above, the variant was classified as pathogenic.

Baylor Genetics
Classification: Pathogenic for Breast-ovarian cancer, familial, susceptibility to, 1. Last evaluated: 2022-08-24. Review status: criteria provided, single submitter. Criteria: ACMG Guidelines, 2015. Collection method: clinical testing. Allele origin: unknown.

Department of Medical Genetics, Oslo University Hospital
Classification: Pathogenic for Breast-ovarian cancer, familial, susceptibility to, 1. Last evaluated: 2015-10-09. Review status: criteria provided, single submitter. Criteria: ACMG Guidelines, 2015. Collection method: clinical testing. Allele origin: germline. Affected: yes. Observed: 2 variant alleles.

Consortium of Investigators of Modifiers of BRCA1/2 (CIMBA), c/o University of Cambridge
Classification: Pathogenic for Breast-ovarian cancer, familial, susceptibility to, 1. Last evaluated: 2015-10-02. Review status: criteria provided, single submitter. Criteria: CIMBA Mutation Classification guidelines May 2016. Collection method: clinical testing. Allele origin: germline.

BRCAlab, Lund University
Classification: Likely pathogenic for Breast-ovarian cancer, familial, susceptibility to, 1. Last evaluated: 2020-03-02. Review status: no assertion criteria provided. Collection method: clinical testing. Allele origin: germline. Affected: yes. Not counted in ClinVar's aggregate classification.

Counsyl
Classification: Likely pathogenic for Breast-ovarian cancer, familial, susceptibility to, 1. Last evaluated: 2015-12-10. Review status: no assertion criteria provided. Collection method: clinical testing. Allele origin: unknown. Not counted in ClinVar's aggregate classification.

Sharing Clinical Reports Project (SCRP)
Classification: Uncertain significance for Breast-ovarian cancer, familial 1. Last evaluated: 2008-08-12. Review status: no assertion criteria provided. Collection method: clinical testing. Allele origin: germline. Not counted in ClinVar's aggregate classification.

Breast Cancer Information Core (BIC) (BRCA1)
Classification: Pathogenic for Breast-ovarian cancer, familial 1. Last evaluated: 2004-11-25. Review status: no assertion criteria provided. Collection method: clinical testing. Allele origin: germline. Affected: yes. Observed: 1 variant allele. Not counted in ClinVar's aggregate classification.

Center for Precision Medicine, Meizhou People's Hospital
Classification: Pathogenic for Familial cancer of breast. Review status: no assertion criteria provided. Collection method: literature only. Allele origin: germline. Affected: yes. Not counted in ClinVar's aggregate classification.

Clinical Genetics Laboratory, Department of Pathology, Netherlands Cancer Institute
Classification: Uncertain significance. Review status: no assertion criteria provided. Collection method: clinical testing. Allele origin: germline. Affected: yes. Study: VKGL Data-share Consensus. Not counted in ClinVar's aggregate classification.

Department of Pathology and Laboratory Medicine, Sinai Health System
Classification: Uncertain significance for Malignant tumor of breast. Review status: no assertion criteria provided. Collection method: clinical testing. Allele origin: unknown. Affected: yes. Observed: 1 variant allele. Study: The Canadian Open Genetics Repository (COGR). Not counted in ClinVar's aggregate classification.

Diagnostic Laboratory, Department of Genetics, University Medical Center Groningen
Classification: Uncertain significance. Review status: no assertion criteria provided. Collection method: clinical testing. Allele origin: germline. Affected: yes. Study: VKGL Data-share Consensus. Not counted in ClinVar's aggregate classification.

Literature cited by the submitters: PubMed 22711857 (cited by 7 submitters); PubMed 22762150 (cited by 5 submitters); PubMed 23633455 (cited by 3 submitters); PubMed 27741520 (cited by 5 submitters); PubMed 29446198 (cited by 5 submitters); PubMed 17576681 (cited by Labcorp Genetics (formerly Invitae), Labcorp); PubMed 9536098 (cited by Labcorp Genetics (formerly Invitae), Labcorp); PubMed 19471317 (cited by 4 submitters); PubMed 22505045 (cited by 5 submitters); PubMed 10571952 (cited by Color Diagnostics, LLC DBA Color Health); PubMed 12915465 (cited by Color Diagnostics, LLC DBA Color Health); PubMed 21120943 (cited by Color Diagnostics, LLC DBA Color Health); PubMed 24607278 (cited by Color Diagnostics, LLC DBA Color Health); PubMed 27425403 (cited by Color Diagnostics, LLC DBA Color Health); PubMed 28637432 (cited by Color Diagnostics, LLC DBA Color Health and Quest Diagnostics Nichols Institute San Juan Capistrano); PubMed 31143303 (cited by 3 submitters); PubMed 34196900 (cited by 3 submitters); PubMed 34981296 (cited by 3 submitters); PubMed 35665744 (cited by Color Diagnostics, LLC DBA Color Health and Quest Diagnostics Nichols Institute San Juan Capistrano); PubMed 16267036 (cited by Ambry Genetics and Quest Diagnostics Nichols Institute San Juan Capistrano); PubMed 28781887 (cited by Ambry Genetics and Quest Diagnostics Nichols Institute San Juan Capistrano); PubMed 29339979 (cited by 3 submitters); PubMed 31131967 (cited by Quest Diagnostics Nichols Institute San Juan Capistrano and Women's Health and Genetics/Laboratory Corporation of America, LabCorp); PubMed 30765603 (cited by Quest Diagnostics Nichols Institute San Juan Capistrano and Women's Health and Genetics/Laboratory Corporation of America, LabCorp); PubMed 33945048 (cited by Quest Diagnostics Nichols Institute San Juan Capistrano); PubMed 29875428 (cited by Quest Diagnostics Nichols Institute San Juan Capistrano and Women's Health and Genetics/Laboratory Corporation of America, LabCorp); PubMed 21523855 (cited by Quest Diagnostics Nichols Institute San Juan Capistrano and Counsyl); PubMed 23704879 (cited by Quest Diagnostics Nichols Institute San Juan Capistrano and Counsyl); PubMed 34072659 (cited by Women's Health and Genetics/Laboratory Corporation of America, LabCorp).